The following is an entry in ClinVar:

ClinVar aggregate classification (germline): Likely benign (1 of 4 stars; one submission).

gnomAD v4.1: 34 of 1,613,494 alleles (0.0021%); highest among the groups gnomAD compares: African/African-American, 0.0067%; no homozygotes.

Submission:

CeGaT Center for Human Genetics Tuebingen
Classification: Likely benign. Last evaluated: 2026-04-01. Review status: criteria provided, single submitter. Criteria: CeGaT Center For Human Genetics Tuebingen Variant Classification Criteria Version 2. Collection method: clinical testing. Allele origin: germline. Affected: yes. Observed: 1 variant allele.
Comment: LRIG2: BP4, BP7

NM_014813.3(LRIG2):c.2139G>A (p.Ala713=)

Gene: LRIG2 (leucine rich repeats and immunoglobulin like domains 2; plus strand). Cytogenetic location: 1p13.2.
Variant type: single nucleotide variant.
Coding change: c.2139G>A on transcript NM_014813.3 (MANE Select); coding-DNA position 2139, G replaced by A.
Protein change: p.Ala713=; no amino-acid change (alanine 713 retained).
Molecular consequence: synonymous variant.
Genome position (GRCh38, 1-based): chr1:113,114,485, G>A. VCF-style: chr1-113114485-G-A. GRCh37 (hg19) VCF-style: chr1-113657107-G-A.
Other names: c.1830G>A, p.Ala610= (NM_001312686.2).
Identifiers: ClinVar variation 4873213 (VCV004873213.2).